The following is an entry in ClinVar:

ClinVar aggregate classification (germline): Uncertain significance (1 of 4 stars; one submission).

Allele frequency attached by ClinVar (database versions not stated): gnomAD exomes below 0.00001 and 0.00001.
gnomAD v4.1: 2 of 1,550,742 alleles (0.00013%); highest among the groups gnomAD compares: Admixed American, 0.0037%; no homozygotes.

Submission:

Labcorp Genetics (formerly Invitae), Labcorp
Classification: Uncertain significance. Last evaluated: 2021-08-23. Review status: criteria provided, single submitter. Criteria: Invitae Variant Classification Sherloc (09022015). Collection method: clinical testing. Allele origin: germline.
Comment: In summary, the available evidence is currently insufficient to determine the role of this variant in disease. Therefore, it has been classified as a Variant of Uncertain Significance. This sequence change replaces isoleucine with threonine at codon 348 of the TRAPPC12 protein (p.Ile348Thr). The isoleucine residue is moderately conserved and there is a moderate physicochemical difference between isoleucine and threonine. The frequency data for this variant in the population databases is considered unreliable, as metrics indicate insufficient coverage at this position in the ExAC database. This variant has not been reported in the literature in individuals affected with TRAPPC12-related conditions. Algorithms developed to predict the effect of missense changes on protein structure and function are either unavailable or do not agree on the potential impact of this missense change (SIFT: "Not Available"; PolyPhen-2: "Possibly Damaging"; Align-GVGD: "Not Available").

NM_016030.6(TRAPPC12):c.1043T>C (p.Ile348Thr)

Gene: TRAPPC12 (trafficking protein particle complex subunit 12; plus strand). Cytogenetic location: 2p25.3.
Variant type: single nucleotide variant.
Coding change: c.1043T>C on transcript NM_016030.6 (MANE Select); coding-DNA position 1043, T replaced by C.
Protein change: p.Ile348Thr; replaces isoleucine 348 with threonine.
Molecular consequence: missense variant.
Genome position (GRCh38, 1-based): chr2:3,388,666, T>C. VCF-style: chr2-3388666-T-C. GRCh37 (hg19) VCF-style: chr2-3392437-T-C.
Other names: c.1043T>C, p.Ile348Thr (NM_001321102.2); short protein forms I348T.
Identifiers: ClinVar variation 1448231 (VCV001448231.6), dbSNP rs1476411971, ClinGen allele CA345741836.